The following is an entry in ClinVar:

ClinVar aggregate classification (germline): Pathogenic (1 of 4 stars; one submission).

Conditions:
Joubert syndrome. Also called: CEREBELLOPARENCHYMAL DISORDER IV; JOUBERT-BOLTSHAUSER SYNDROME; Familial aplasia of the vermis. Identifiers: Orphanet 475, MedGen C5979921, MONDO:0018772.
Nephronophthisis. Also called: Juvenile Nephronophthisis. Identifiers: Orphanet 655, MedGen C0687120, MONDO:0019005, HP:0000090.
Meckel-Gruber syndrome. Also called: DYSENCEPHALIA SPLANCHNOCYSTICA; GRUBER SYNDROME; Dysencephalia splachnocystica. Identifiers: Orphanet 564, MedGen C0265215, MONDO:0018921.

Submission:

Labcorp Genetics (formerly Invitae), Labcorp
Classification: Pathogenic for Joubert syndrome; Meckel-Gruber syndrome; Nephronophthisis. Last evaluated: 2023-08-19. Review status: criteria provided, single submitter. Criteria: Invitae Variant Classification Sherloc (09022015). Collection method: clinical testing. Allele origin: germline.
Comment: This sequence change creates a premature translational stop signal (p.Ser1808Lysfs*7) in the CEP290 gene. It is expected to result in an absent or disrupted protein product. Loss-of-function variants in CEP290 are known to be pathogenic (PMID: 16909394, 17345604, 20690115). This variant is not present in population databases (gnomAD no frequency). This variant has not been reported in the literature in individuals affected with CEP290-related conditions. For these reasons, this variant has been classified as Pathogenic.

Literature cited by the submitters: PubMed 16909394; PubMed 17345604; PubMed 20690115.

NM_025114.4(CEP290):c.5423_5426del (p.Ser1808fs)

Gene: CEP290 (centrosomal protein 290; minus strand). Cytogenetic location: 12q21.32.
Variant type: Deletion.
Coding change: c.5423_5426del on transcript NM_025114.4 (MANE Select); coding-DNA positions 5423 to 5426, 4 bases deleted (GTAA; older notation c.5423_5426delGTAA).
Protein change: p.Ser1808fs; shifts the reading frame from serine 1808.
Molecular consequence: frameshift variant.
Genome position (GRCh38, 1-based): chr12:88,077,857-88,077,860, TTAC deleted on the plus strand (GTAA on the coding strand, the reverse complement: CEP290 is on the minus strand); deleting any 4 consecutive bases within chr12:88,077,857-88,077,862 gives the same sequence; the c. name uses the placement nearest the transcript's 3' end. VCF-style (leftmost placement, unchanged base first): chr12-88077856-TTTAC-T. GRCh37 (hg19) VCF-style: chr12-88471633-TTTAC-T.
Other names: short protein forms S1808fs.
Identifiers: ClinVar variation 2951131 (VCV002951131.3), dbSNP rs2499859881, ClinGen allele CA2740092462.